The following is an entry in ClinVar:

NM_004999.4(MYO6):c.386C>T (p.Ala129Val)

Gene: MYO6 (myosin VI; plus strand). Cytogenetic location: 6q14.1.
Variant type: single nucleotide variant.
Coding change: c.386C>T on transcript NM_004999.4 (MANE Select); coding-DNA position 386, C replaced by T.
Protein change: p.Ala129Val; replaces alanine 129 with valine.
Molecular consequence: missense variant. On other transcripts: non-coding transcript variant (2).
Genome position (GRCh38, 1-based): chr6:75,830,540, C>T. VCF-style: chr6-75830540-C-T. GRCh37 (hg19) VCF-style: chr6-76540257-C-T.
Other names: c.386C>T, p.Ala129Val (NM_001300899.2, NM_001368136.1, NM_001368137.1 and 5 more transcripts); short protein forms A129V.
Identifiers: ClinVar variation 4746487 (VCV004746487.1).

ClinVar aggregate classification (germline): Uncertain significance (1 of 4 stars; one submission).

Submission:

Labcorp Genetics (formerly Invitae), Labcorp
Classification: Uncertain significance. Last evaluated: 2025-03-20. Review status: criteria provided, single submitter. Criteria: Invitae Variant Classification Sherloc (09022015). Collection method: clinical testing. Allele origin: germline.
Comment: This sequence change replaces alanine, which is neutral and non-polar, with valine, which is neutral and non-polar, at codon 129 of the MYO6 protein (p.Ala129Val). This variant is present in population databases (no rsID available, gnomAD 0.01%). This variant has not been reported in the literature in individuals affected with MYO6-related conditions. Invitae Evidence Modeling of protein sequence and biophysical properties (such as structural, functional, and spatial information, amino acid conservation, physicochemical variation, residue mobility, and thermodynamic stability) indicates that this missense variant is expected to disrupt MYO6 protein function with a positive predictive value of 80%. In summary, the available evidence is currently insufficient to determine the role of this variant in disease. Therefore, it has been classified as a Variant of Uncertain Significance.